The following is an entry in ClinVar:

NC_000023.10:g.(?_64887709)_(64959755_?)dup

Gene: MSN (moesin; plus strand). Cytogenetic location: Xq12.
Variant type: Duplication.
Identifiers: ClinVar variation 1359983 (VCV001359983.1).

ClinVar aggregate classification (germline): Uncertain significance (1 of 4 stars; one submission).

Submission:

Labcorp Genetics (formerly Invitae), Labcorp
Classification: Uncertain significance. Last evaluated: 2021-03-09. Review status: criteria provided, single submitter. Criteria: Invitae Variant Classification Sherloc (09022015). Collection method: clinical testing. Allele origin: germline.
Comment: A copy number gain of the genomic region encompassing the full coding sequence of the MSN gene has been identified. The boundaries of this event are unknown as they extend beyond the assayed region for this gene and therefore may encompass additional genes. As the precise location of this event is unknown, it may be in tandem or it may be located elsewhere in the genome. This variant has not been reported in the literature in individuals with MSN-related conditions. In summary, the available evidence is currently insufficient to determine the role of this variant in disease. Therefore, it has been classified as a Variant of Uncertain Significance.